The following is an entry in ClinVar:

ClinVar aggregate classification (germline): Likely pathogenic (1 of 4 stars; one submission).

Conditions:
Cardiovascular phenotype. Identifiers: MedGen CN230736.

Submission:

Ambry Genetics
Classification: Likely pathogenic for Cardiovascular phenotype. Last evaluated: 2018-07-12. Review status: criteria provided, single submitter. Criteria: Ambry Variant Classification Scheme 2023. Collection method: clinical testing. Allele origin: germline.
Comment: The p.C382W variant (also known as c.1146C>G), located in coding exon 9 of the ENG gene, results from a C to G substitution at nucleotide position 1146. The cysteine at codon 382 is replaced by tryptophan, an amino acid with highly dissimilar properties. This variant was detected in multiple cohorts of individuals undergoing genetic testing for hereditary hemorrhagic telangiectasia; however, specific phenotype information was not provided (Bayrak-Toydemir P et al. Genet. Med. 2004;6:175-91; Bayrak-Toydemir P et al. Am. J. Med. Genet. A, 2006 Mar;140:463-70; Bossler AD et al. Hum. Mutat., 2006 Jul;27:667-75; Prigoda NL et al. J. Med. Genet., 2006 Sep;43:722-8). This variant forms a disulfide bond with the C350 residue; the p.C382W variant disrupts this bond, resulting in improper protein folding (Saito T et al. Cell Rep, 2017 05;19:1917-1928). In addition, ENG protein with this variant was retained in the endoplasmic reticulum in HeLa cells (Ali BR et al. PLoS ONE, 2011 Oct;6:e26206). This amino acid position is highly conserved in available vertebrate species. In addition, this alteration is predicted to be deleterious by in silico analysis. Based on the majority of available evidence to date, this variant is likely to be pathogenic.

Literature cited by the submitters: PubMed 15266205; PubMed 16470787; PubMed 16690726; PubMed 16752392; PubMed 22022569; PubMed 28564608.

NM_001114753.3(ENG):c.1146C>G (p.Cys382Trp)

Genes: ENG (endoglin; minus strand), LOC102723566 (uncharacterized LOC102723566; plus strand). Cytogenetic location: 9q34.11.
Variant type: single nucleotide variant.
Coding change: c.1146C>G on transcript NM_001114753.3 (MANE Select); coding-DNA position 1146, C replaced by G.
Protein change: p.Cys382Trp; replaces cysteine 382 with tryptophan.
Molecular consequence: missense variant.
Genome position (GRCh38, 1-based): chr9:127,820,026, G>C on the plus strand (C>G on the coding strand, the complement: ENG is on the minus strand). VCF-style: chr9-127820026-G-C. GRCh37 (hg19) VCF-style: chr9-130582305-G-C.
Other names: c.1146C>G, p.Cys382Trp (NM_000118.4); c.600C>G, p.Cys200Trp (NM_001278138.2); short protein forms C200W, C382W.
Identifiers: ClinVar variation 1732557 (VCV001732557.2), dbSNP rs2539064456, ClinGen allele CA374978880.
Genomic context (GRCh38, chr9:127,820,026, plus strand): 5'-CTTGTCACCCCTGTCCTCTGCCTCACAGCTGGGGTCCCAGAAGGTCAGGCCCGTGATGGT[G>C]CACTTCAAATGCTGGGTCGGAAGAGAGGGGCACCATCAGGAGGCACTGGGGTCTCTGTGG-3'
Protein context (NP_001108225.1, residues 372-392): LKKELVAHLK[Cys382Trp]TITGLTFWDP